The following is an entry in ClinVar:

NM_001197104.2(KMT2A):c.1474_1475delinsTT (p.Ala492Phe)

Gene: KMT2A (lysine methyltransferase 2A; plus strand). Cytogenetic location: 11q23.3.
Variant type: Indel.
Coding change: c.1474_1475delinsTT on transcript NM_001197104.2 (MANE Select); coding-DNA positions 1474 to 1475, GC replaced by TT.
Protein change: p.Ala492Phe; replaces alanine 492 with phenylalanine.
Molecular consequence: missense variant.
Genome position (GRCh38, 1-based): chr11:118,472,633-118,472,634, GC replaced by TT. VCF-style: chr11-118472633-GC-TT. GRCh37 (hg19) VCF-style: chr11-118343348-GC-TT.
Other names: c.1474_1475delinsTT, p.Ala492Phe (NM_005933.4); short protein forms A492F.
Identifiers: ClinVar variation 1482467 (VCV001482467.6), dbSNP rs2134262136, ClinGen allele CA2573146936.

ClinVar aggregate classification (germline): Uncertain significance (1 of 4 stars; one submission).

Submission:

Labcorp Genetics (formerly Invitae), Labcorp
Classification: Uncertain significance. Last evaluated: 2022-06-13. Review status: criteria provided, single submitter. Criteria: Invitae Variant Classification Sherloc (09022015). Collection method: clinical testing. Allele origin: germline.
Comment: In summary, the available evidence is currently insufficient to determine the role of this variant in disease. Therefore, it has been classified as a Variant of Uncertain Significance. Algorithms developed to predict the effect of missense changes on protein structure and function are either unavailable or do not agree on the potential impact of this missense change (SIFT: "Not Available"; PolyPhen-2: "Probably Damaging"; Align-GVGD: "Not Available"). This variant has not been reported in the literature in individuals affected with KMT2A-related conditions. Information on the frequency of this variant in the gnomAD database is not available, as this variant may be reported differently in the database. This sequence change replaces alanine with phenylalanine at codon 492 of the KMT2A protein (p.Ala492Phe). The alanine residue is highly conserved and there is a moderate physicochemical difference between alanine and phenylalanine.